The following is an entry in ClinVar:

ClinVar aggregate classification (germline): Uncertain significance. Review status: criteria provided, multiple submitters, no conflicts (2 of 4 stars). 2 submissions from 2 submitters: Uncertain significance (2). Last evaluated 2025-03-02.

Conditions:
Hereditary cancer-predisposing syndrome. Also called: Hereditary neoplastic syndrome; Neoplastic Syndromes, Hereditary; Hereditary Cancer Syndrome; Tumor predisposition. Identifiers: Orphanet 140162, MedGen C0027672, MeSH D009386, MONDO:0015356.
Cardiovascular phenotype. Identifiers: MedGen CN230736.

gnomAD v4.1: 2 of 1,613,400 alleles (0.00012%); highest among the groups gnomAD compares: Non-Finnish European, 0.00017%; no homozygotes.

Submissions (2):

Labcorp Genetics (formerly Invitae), Labcorp
Classification: Uncertain significance. Last evaluated: 2025-03-02. Review status: criteria provided, single submitter. Criteria: Invitae Variant Classification Sherloc (09022015). Collection method: clinical testing. Allele origin: germline.
Comment: This sequence change replaces serine, which is neutral and polar, with proline, which is neutral and non-polar, at codon 650 of the LZTR1 protein (p.Ser650Pro). This variant is present in population databases (no rsID available, gnomAD 0.007%). This variant has not been reported in the literature in individuals affected with LZTR1-related conditions. Invitae Evidence Modeling of protein sequence and biophysical properties (such as structural, functional, and spatial information, amino acid conservation, physicochemical variation, residue mobility, and thermodynamic stability) indicates that this missense variant is not expected to disrupt LZTR1 protein function with a negative predictive value of 80%. In summary, the available evidence is currently insufficient to determine the role of this variant in disease. Therefore, it has been classified as a Variant of Uncertain Significance.

Ambry Genetics
Classification: Uncertain significance for Cardiovascular phenotype; Hereditary cancer-predisposing syndrome. Last evaluated: 2025-01-04. Review status: criteria provided, single submitter. Criteria: Ambry Variant Classification Scheme 2023. Collection method: clinical testing. Allele origin: germline.
Comment: The p.S650P variant (also known as c.1948T>C), located in coding exon 17 of the LZTR1 gene, results from a T to C substitution at nucleotide position 1948. The serine at codon 650 is replaced by proline, an amino acid with similar properties. This amino acid position is conserved. In addition, this alteration is predicted to be deleterious by in silico analysis. Based on the available evidence, the clinical significance of this variant remains unclear.

NM_006767.4(LZTR1):c.1948T>C (p.Ser650Pro)

Gene: LZTR1 (leucine zipper like post translational regulator 1; plus strand). Cytogenetic location: 22q11.21.
Variant type: single nucleotide variant.
Coding change: c.1948T>C on transcript NM_006767.4 (MANE Select); coding-DNA position 1948, T replaced by C.
Protein change: p.Ser650Pro; replaces serine 650 with proline.
Molecular consequence: missense variant.
Genome position (GRCh38, 1-based): chr22:20,995,751, T>C. VCF-style: chr22-20995751-T-C. GRCh37 (hg19) VCF-style: chr22-21350040-T-C.
Other names: c.1948T>C (NM_006767.3); short protein forms S650P.
Identifiers: ClinVar variation 3714248 (VCV003714248.3).
Genomic context (GRCh38, chr22:20,995,751, plus strand): 5'-GGCCCCAAGGCCAGAATCCCAGGCTGTACCTGCTCAGGGACCCTCCTACCCCCAGGCACA[T>C]CTCTGATCCAGGACATGAAGGCATACCTGGAGGGAGCGGGCGCGGAATTCTGTGACATCA-3'
Protein context (NP_006758.2, residues 640-660): PLDQPVDIGT[Ser650Pro]LIQDMKAYLE